The following is an entry in ClinVar:

NM_001379500.1(COL18A1):c.2958_2985dup (p.Pro996fs)

Genes: COL18A1 (collagen type XVIII alpha 1 chain; plus strand), SLC19A1 (solute carrier family 19 member 1; minus strand). Cytogenetic location: 21q22.3.
Variant type: Duplication.
Coding change: c.2958_2985dup on transcript NM_001379500.1 (MANE Select); coding-DNA positions 2958 to 2985, 28 bases duplicated (TCCCGGCCCCCCAGGCCCCCCAGGGCCC).
Protein change: p.Pro996fs; shifts the reading frame from proline 996.
Molecular consequence: frameshift variant.
Genome position (GRCh38, 1-based): chr21:45,505,223-45,505,250, TCCCGGCCCCCCAGGCCCCCCAGGGCCC duplicated; duplicating any 28 consecutive bases within chr21:45,505,214-45,505,250 gives the same sequence; the c. name uses the placement nearest the transcript's 3' end. VCF-style (leftmost placement, unchanged base first): chr21-45505213-G-GCCAGGGCCCTCCCGGCCCCCCAGGCCCC. GRCh37 (hg19) VCF-style: chr21-46925127-G-GCCAGGGCCCTCCCGGCCCCCCAGGCCCC.
Other names: c.3489_3516dup, p.Pro1173fs (NM_030582.4); c.4194_4221dup, p.Pro1408fs (NM_130444.3); short protein forms P1408fs, P1173fs, P996fs.
Identifiers: ClinVar variation 2126526 (VCV002126526.4), dbSNP rs1568942232, ClinGen allele CA2580098856.
Genomic context (GRCh38, chr21:45,505,213, plus strand): 5'-TCCGGGGCCAGCCCGGCCCACCTGGACCTCAGGGACCCCCCGGCATCGGCTACGAGGGGC[G>GCCAGGGCCCTCCCGGCCCCCCAGGCCCC]CCAGGGCCCTCCCGGCCCCCCAGGCCCCCCAGGGCCCCCTTCATTTCCTGGCCCTCACAG-3'

ClinVar aggregate classification (germline): Pathogenic (1 of 4 stars; one submission).

Submission:

Labcorp Genetics (formerly Invitae), Labcorp
Classification: Pathogenic. Last evaluated: 2022-04-15. Review status: criteria provided, single submitter. Criteria: Invitae Variant Classification Sherloc (09022015). Collection method: clinical testing. Allele origin: germline.
Comment: This sequence change creates a premature translational stop signal (p.Pro993Serfs*100) in the COL18A1 gene. It is expected to result in an absent or disrupted protein product. Loss-of-function variants in COL18A1 are known to be pathogenic (PMID: 12415512, 25456301). For these reasons, this variant has been classified as Pathogenic. Algorithms developed to predict the effect of sequence changes on RNA splicing suggest that this variant may disrupt the consensus splice site. This variant has not been reported in the literature in individuals affected with COL18A1-related conditions. This variant is not present in population databases (gnomAD no frequency).

Literature cited by the submitters: PubMed 12415512; PubMed 25456301.